The following is an entry in ClinVar:

NM_001267550.2(TTN):c.6508+15T>C

Gene: TTN (titin; minus strand). Cytogenetic location: 2q31.2.
Variant type: single nucleotide variant.
Coding change: c.6508+15T>C on transcript NM_001267550.2 (MANE Select); 15 bases into the intron after coding-DNA position 6508, T replaced by C.
Molecular consequence: intron variant.
Genome position (GRCh38, 1-based): chr2:178,775,341, A>G on the plus strand (T>C on the coding strand, the complement: TTN is on the minus strand). VCF-style: chr2-178775341-A-G. GRCh37 (hg19) VCF-style: chr2-179640068-A-G.
Other names: c.6508+15T>C (NM_133378.4, NM_001256850.1, NM_133379.5); c.6370+15T>C (NM_003319.4, NM_133437.4, NM_133432.3).
Identifiers: ClinVar variation 228137 (VCV000228137.25), dbSNP rs747722195, ClinGen allele CA2005029.

ClinVar aggregate classification (germline): Conflicting classifications of pathogenicity. Review status: criteria provided, conflicting classifications (1 of 4 stars). 9 submissions from 5 submitters: Uncertain significance (3); Benign (3); Likely benign (3). Last evaluated 2026-01-02.

Conditions:
Myopathy, myofibrillar, 9, with early respiratory failure (MFM9). Also called: Hereditary myopathy with early respiratory failure; EDSTROM MYOPATHY; Myopathy, distal, with early respiratory failure, autosomal dominant; MYOPATHY, PROXIMAL, WITH EARLY RESPIRATORY MUSCLE INVOLVEMENT. Identifiers: Orphanet 178464, Orphanet 34521, MedGen C1863599, MONDO:0011362, OMIM 603689.
Autosomal recessive limb-girdle muscular dystrophy type 2J (LGMDR10). Also called: Limb-girdle muscular dystrophy, type 2J; MUSCULAR DYSTROPHY, LIMB-GIRDLE, AUTOSOMAL RECESSIVE 10. Identifiers: Orphanet 140922, MedGen C1837342, MONDO:0012127, OMIM 608807.
Dilated cardiomyopathy 1G (CMD1G). Identifiers: Orphanet 154, MedGen C1858763, MONDO:0011400, OMIM 604145.
Tibial muscular dystrophy (TMD). Also called: Udd Distal Myopathy – Tibial Muscular Dystrophy; Tibial muscular dystrophy, tardive; UDD MYOPATHY. Identifiers: Orphanet 609, MedGen C1838244, MONDO:0010870, OMIM 600334.
Early-onset myopathy with fatal cardiomyopathy (CMYO5). Also called: CONGENITAL MYOPATHY 5 WITH CARDIOMYOPATHY; Salih Myopathy. Identifiers: Orphanet 289377, MedGen C2673677, MONDO:0012714, OMIM 611705. Disease mechanism: loss of function.

Allele frequency attached by ClinVar (database versions not stated): gnomAD 0.00002; gnomAD exomes 0.00002 and 0.00012; TOPMed 0.00005; ExAC 0.00014.
gnomAD v4.1: 38 of 1,613,648 alleles (0.0024%); highest among the groups gnomAD compares: East Asian, 0.078%; no homozygotes.

Submissions (9):

Labcorp Genetics (formerly Invitae), Labcorp
Classification: Likely benign for Dilated cardiomyopathy 1G; Autosomal recessive limb-girdle muscular dystrophy type 2J. Last evaluated: 2026-01-02. Review status: criteria provided, single submitter. Criteria: Invitae Variant Classification Sherloc (09022015). Collection method: clinical testing. Allele origin: germline.

Blueprint Genetics
Classification: Likely benign. Last evaluated: 2024-03-14. Review status: criteria provided, single submitter. Criteria: ACMG Guidelines, 2015. Collection method: clinical testing. Allele origin: germline.

Illumina Laboratory Services, Illumina
Classification: Uncertain significance for Dilated cardiomyopathy 1G. Last evaluated: 2018-01-13. Review status: criteria provided, single submitter. Criteria: ICSL Variant Classification Criteria 13 December 2019. Collection method: clinical testing. Allele origin: germline.

Illumina Laboratory Services, Illumina
Classification: Benign for Tibial muscular dystrophy. Last evaluated: 2018-01-13. Review status: criteria provided, single submitter. Criteria: ICSL Variant Classification Criteria 13 December 2019. Collection method: clinical testing. Allele origin: germline.
Comment: This variant was observed in the ICSL laboratory as part of a predisposition screen in an ostensibly healthy population. It had not been previously curated by ICSL or reported in the Human Gene Mutation Database (HGMD: prior to June 1st, 2018), and was therefore a candidate for classification through an automated scoring system. Utilizing variant allele frequency, disease prevalence and penetrance estimates, and inheritance mode, an automated score was calculated to assess if this variant is too frequent to cause the disease. Based on the score and internal cut-off values, a variant classified as benign is not then subjected to further curation. The score for this variant resulted in a classification of benign for this disease.

Illumina Laboratory Services, Illumina
Classification: Uncertain significance for Autosomal recessive limb-girdle muscular dystrophy type 2J. Last evaluated: 2018-01-13. Review status: criteria provided, single submitter. Criteria: ICSL Variant Classification Criteria 13 December 2019. Collection method: clinical testing. Allele origin: germline.

Illumina Laboratory Services, Illumina
Classification: Uncertain significance for Early-onset myopathy with fatal cardiomyopathy. Last evaluated: 2018-01-13. Review status: criteria provided, single submitter. Criteria: ICSL Variant Classification Criteria 13 December 2019. Collection method: clinical testing. Allele origin: germline.

Illumina Laboratory Services, Illumina
Classification: Benign for Myopathy, myofibrillar, 9, with early respiratory failure. Last evaluated: 2018-01-13. Review status: criteria provided, single submitter. Criteria: ICSL Variant Classification Criteria 13 December 2019. Collection method: clinical testing. Allele origin: germline.
Comment: the same text as in the submission from Illumina Laboratory Services, Illumina above.

Laboratory for Molecular Medicine, Mass General Brigham Personalized Medicine
Classification: Likely benign. Last evaluated: 2015-03-13. Review status: criteria provided, single submitter. Criteria: LMM Criteria. Collection method: clinical testing. Allele origin: germline. Observed: 1 variant allele.
Comment: c.6508+15T>C in intron 28 of TTN: This variant is not expected to have clinical significance because it is not located within the splice consensus sequence. It has been identified in 0.2% (17/8584) of East Asian chromosomes by the Exome Agg regation Consortium (ExAC).

GeneDx
Classification: Benign. Last evaluated: 2015-03-03. Review status: criteria provided, single submitter. Criteria: GeneDx Variant Classification Process June 2021. Collection method: clinical testing. Allele origin: germline. Affected: yes.